The following is an entry in ClinVar:

ClinVar aggregate classification (germline): Uncertain significance (1 of 4 stars; one submission).

Allele frequency attached by ClinVar (database versions not stated): gnomAD exomes below 0.00001; gnomAD 0.00001 and 0.00002; TOPMed 0.00002.
gnomAD v4.1: 5 of 1,613,484 alleles (0.00031%); highest among the groups gnomAD compares: Non-Finnish European, 0.00034%; no homozygotes.

Submission:

GeneDx
Classification: Uncertain significance. Last evaluated: 2014-09-30. Review status: criteria provided, single submitter. Criteria: GeneDx Variant Classification (06012015). Collection method: clinical testing. Allele origin: germline. Affected: yes.
Comment: p.Leu3609Phe (CTT>TTT): c.10825 C>T in exon 40 of the ANK2 gene (NM_001148.4). The L3609F variant has not been published as a mutation, nor has it been reported as a benign polymorphism to our knowledge. The L3609F variant was not observed in approximately 6,500 individuals of European and African American ancestry in the NHLBI Exome Sequencing Project, indicating it is not a common benign variant in these populations. This substitution occurs at a position that is conserved across species. In silico analysis predicts this variant is probably damaging to the protein structure/function. However, the L3609F variant is a conservative amino acid substitution, which is not likely to impact secondary protein structure as these residues share similar properties. Missense mutations in nearby residues have not been reported, indicating this region of the protein may tolerate change. Therefore, based on the currently available information, it is unclear whether this variant is a pathogenic mutation or a rare benign variant.The variant is found in ARRHYTHMIA panel(s).

NM_001148.6(ANK2):c.10825C>T (p.Leu3609Phe)

Gene: ANK2 (ankyrin 2; plus strand). Cytogenetic location: 4q26.
Variant type: single nucleotide variant.
Coding change: c.10825C>T on transcript NM_001148.6 (MANE Select); coding-DNA position 10825, C replaced by T.
Protein change: p.Leu3609Phe; replaces leucine 3609 with phenylalanine.
Molecular consequence: missense variant.
Genome position (GRCh38, 1-based): chr4:113,363,406, C>T. VCF-style: chr4-113363406-C-T. GRCh37 (hg19) VCF-style: chr4-114284562-C-T.
Other names: p.L3609F:CTT>TTT; c.4543C>T, p.Leu1515Phe (NM_001127493.3); c.4582C>T, p.Leu1528Phe (NM_001354225.2); c.4471C>T, p.Leu1491Phe (NM_001354228.2, NM_001354258.2); c.4549C>T, p.Leu1517Phe (NM_001354230.2); c.4612C>T, p.Leu1538Phe (NM_001354231.2, NM_001354242.2); c.4606C>T, p.Leu1536Phe (NM_001354232.2); c.4567C>T, p.Leu1523Phe (NM_001354235.2, NM_001354246.2, NM_001354265.2); and 36 more; short protein forms L1515F, L3609F, L1453F, L1470F, L1517F, L1528F, L1550F, L707F.
Identifiers: ClinVar variation 190606 (VCV000190606.2), dbSNP rs786205737, ClinGen allele CA301076.